The following is an entry in ClinVar:

NM_001374259.2(IL12RB2):c.503C>A (p.Thr168Asn)

Gene: IL12RB2 (interleukin 12 receptor subunit beta 2; plus strand). Cytogenetic location: 1p31.3.
Variant type: single nucleotide variant.
Coding change: c.503C>A on transcript NM_001374259.2 (MANE Select); coding-DNA position 503, C replaced by A.
Protein change: p.Thr168Asn; replaces threonine 168 with asparagine.
Molecular consequence: missense variant. On other transcripts: non-coding transcript variant (2).
Genome position (GRCh38, 1-based): chr1:67,328,223, C>A. VCF-style: chr1-67328223-C-A. GRCh37 (hg19) VCF-style: chr1-67793906-C-A.
Other names: c.503C>A, p.Thr168Asn (NM_001258214.1, NM_001258215.1, NM_001258216.1 and 2 more transcripts); short protein forms T168N.
Identifiers: ClinVar variation 2058036 (VCV002058036.4), dbSNP rs746854358, ClinGen allele CA340732828.

ClinVar aggregate classification (germline): Uncertain significance (1 of 4 stars; one submission).

Submission:

Labcorp Genetics (formerly Invitae), Labcorp
Classification: Uncertain significance. Last evaluated: 2022-04-23. Review status: criteria provided, single submitter. Criteria: Invitae Variant Classification Sherloc (09022015). Collection method: clinical testing. Allele origin: germline.
Comment: This sequence change replaces threonine, which is neutral and polar, with asparagine, which is neutral and polar, at codon 168 of the IL12RB2 protein (p.Thr168Asn). This variant is not present in population databases (gnomAD no frequency). This variant has not been reported in the literature in individuals affected with IL12RB2-related conditions. Algorithms developed to predict the effect of missense changes on protein structure and function output the following: SIFT: "Deleterious"; PolyPhen-2: "Benign"; Align-GVGD: "Class C0". The asparagine amino acid residue is found in multiple mammalian species, which suggests that this missense change does not adversely affect protein function. In summary, the available evidence is currently insufficient to determine the role of this variant in disease. Therefore, it has been classified as a Variant of Uncertain Significance.